The following is an entry in ClinVar:

ClinVar aggregate classification (germline): Pathogenic (1 of 4 stars; one submission).

Conditions:
Inborn genetic diseases. Identifiers: MedGen C0950123, MeSH D030342.

Submission:

Ambry Genetics
Classification: Pathogenic for Inborn genetic diseases. Last evaluated: 2026-03-30. Review status: criteria provided, single submitter. Criteria: Ambry Variant Classification Scheme 2023. Collection method: clinical testing. Allele origin: germline.
Comment: The c.1233_1234dupGG pathogenic mutation, located in coding exon 12 of the DDX41 gene, results from a duplication of GG at nucleotide position 1233, causing a translational frameshift with a predicted alternate stop codon (p.V412Gfs*2). This alteration is expected to result in loss of function by premature protein truncation or nonsense-mediated mRNA decay. As such, this alteration is interpreted as a disease-causing mutation.

NM_016222.4(DDX41):c.1233_1234dup (p.Val412fs)

Gene: DDX41 (DEAD-box helicase 41; minus strand). Cytogenetic location: 5q35.3.
Variant type: Duplication.
Coding change: c.1233_1234dup on transcript NM_016222.4 (MANE Select); coding-DNA positions 1233 to 1234, 2 bases duplicated (GG; older notation c.1233_1234dupGG).
Protein change: p.Val412fs; shifts the reading frame from valine 412.
Molecular consequence: frameshift variant.
Genome position (GRCh38, 1-based): chr5:177,513,079-177,513,080, CC duplicated on the plus strand (GG on the coding strand, the reverse complement: DDX41 is on the minus strand). VCF-style (leftmost placement, unchanged base first): chr5-177513078-A-ACC. GRCh37 (hg19) VCF-style: chr5-176940079-A-ACC.
Other names: c.855_856dup, p.Val286fs (NM_001321732.2, NM_001321830.2); short protein forms V286fs, V412fs.
Identifiers: ClinVar variation 4869620 (VCV004869620.1).
Genomic context (GRCh38, chr5:177,513,078, plus strand): 5'-GGTGTCTTCTGCAGGCACTCGAGCAGGTACACCATCTTGGCCTCCTCCTTCACATATTCT[A>ACC]CCTCCTGCCACCACAAAGATCAGGTCAGGTGATCTTGAGATTAGGCTTACCCGCCACAGC-3'